The following is an entry in ClinVar:

NM_007194.4(CHEK2):c.1009-9T>C

Gene: CHEK2 (checkpoint kinase 2; minus strand). Cytogenetic location: 22q12.1.
Variant type: single nucleotide variant.
Coding change: c.1009-9T>C on transcript NM_007194.4 (MANE Select); 9 bases into the intron before coding-DNA position 1009, T replaced by C.
Molecular consequence: intron variant.
Genome position (GRCh38, 1-based): chr22:28,696,996, A>G on the plus strand (T>C on the coding strand, the complement: CHEK2 is on the minus strand). VCF-style: chr22-28696996-A-G. GRCh37 (hg19) VCF-style: chr22-29092984-A-G.
Other names: c.346-9T>C (NM_001437942.1, NM_001257387.3); c.808-9T>C (NM_001349956.3); c.1009-1123T>C (NM_145862.3); c.1102-1123T>C (NM_001438295.1); c.1102-9T>C (NM_001438293.1); c.1138-1123T>C (NM_001438294.1); c.1138-9T>C (NM_001005735.3).
Identifiers: ClinVar variation 3656757 (VCV003656757.2).

ClinVar aggregate classification (germline): Uncertain significance (1 of 4 stars; one submission).

Conditions:
Familial cancer of breast. Also called: hereditary breast carcinoma; BREAST CANCER, FAMILIAL; Hereditary breast cancer. Identifiers: Orphanet 227535, MedGen C0346153, MONDO:0016419, OMIM 114480. Disease mechanism: loss of function.

Submission:

Labcorp Genetics (formerly Invitae), Labcorp
Classification: Uncertain significance for Familial cancer of breast. Last evaluated: 2024-06-18. Review status: criteria provided, single submitter. Criteria: Invitae Variant Classification Sherloc (09022015). Collection method: clinical testing. Allele origin: germline.
Comment: This sequence change falls in intron 9 of the CHEK2 gene. It does not directly change the encoded amino acid sequence of the CHEK2 protein. This variant is not present in population databases (gnomAD no frequency). This variant has not been reported in the literature in individuals affected with CHEK2-related conditions. RNA analysis provides insufficient evidence to determine the effect of this variant on CHEK2 splicing (Invitae). In summary, the available evidence is currently insufficient to determine the role of this variant in disease. Therefore, it has been classified as a Variant of Uncertain Significance.